The following is an entry in ClinVar:

ClinVar aggregate classification (germline): Likely benign (1 of 4 stars; one submission).

Allele frequency attached by ClinVar (database versions not stated): 1000 Genomes Project 30x 0.00203; 1000 Genomes Project 0.00220; ESP Exome Variant Server 0.00356; gnomAD 0.00525; TOPMed 0.00538; ExAC 0.00782.
gnomAD v4.1: 11,730 of 1,575,086 alleles (0.74%); highest among the groups gnomAD compares: Non-Finnish European, 0.93%; 68 homozygotes.

Submission:

CeGaT Center for Human Genetics Tuebingen
Classification: Likely benign. Last evaluated: 2023-02-01. Review status: criteria provided, single submitter. Criteria: CeGaT Center For Human Genetics Tuebingen Variant Classification Criteria Version 2. Collection method: clinical testing. Allele origin: germline. Affected: yes. Observed: 1 variant allele.
Comment: CEP131: BP4, BP7, BS2

NM_014984.4(CEP131):c.1419G>A (p.Val473=)

Gene: CEP131 (centrosomal protein 131; minus strand). Cytogenetic location: 17q25.3.
Variant type: single nucleotide variant.
Coding change: c.1419G>A on transcript NM_014984.4 (MANE Select); coding-DNA position 1419, G replaced by A.
Protein change: p.Val473=; no amino-acid change (valine 473 retained).
Molecular consequence: synonymous variant.
Genome position (GRCh38, 1-based): chr17:81,198,166, C>T on the plus strand (G>A on the coding strand, the complement: CEP131 is on the minus strand). VCF-style: chr17-81198166-C-T. GRCh37 (hg19) VCF-style: chr17-79171966-C-T.
Other names: c.1419G>A, p.Val473= (NM_001009811.4, NM_001319228.2, NM_001319229.2).
Identifiers: ClinVar variation 2648439 (VCV002648439.24), dbSNP rs117891655, ClinGen allele CA8829874.
Genomic context (GRCh38, chr17:81,198,166, plus strand): 5'-CGTGGTCACCTCGCTGGCCCAGGCGTATCTGCCCCTGTGATGGGTCCTGGGGCGGGGCAG[C>T]ACGTCCGGCTCCTTCTCCAGCAGCTGCAGTGTGTGCAGCAGCTCCTCCAGTGGCCCCCTG-3'
Protein context (NP_055799.2, residues 463-483): TLQLLEKEPD[Val473=]LPRPRTHHRG